The following is an entry in ClinVar:

ClinVar aggregate classification (germline): Likely benign. Review status: criteria provided, multiple submitters, no conflicts (2 of 4 stars). 4 submissions from 4 submitters: Likely benign (3). 1 of the submissions does not count toward it. Last evaluated 2025-07-01.

Conditions:
PIEZO1-related disorder. Also called: PIEZO1-Related Disorders; PIEZO1-related condition.

Submissions (4):

CeGaT Center for Human Genetics Tuebingen
Classification: Likely benign. Last evaluated: 2025-07-01. Review status: criteria provided, single submitter. Criteria: CeGaT Center For Human Genetics Tuebingen Variant Classification Criteria Version 2. Collection method: clinical testing. Allele origin: germline. Affected: yes. Observed: 1 variant allele.
Comment: PIEZO1: BP4, BP7

Blueprint Genetics
Classification: Likely benign. Last evaluated: 2024-11-26. Review status: criteria provided, single submitter. Criteria: ACMG Guidelines, 2015. Collection method: clinical testing. Allele origin: germline.

Labcorp Genetics (formerly Invitae), Labcorp
Classification: Likely benign. Last evaluated: 2024-07-31. Review status: criteria provided, single submitter. Criteria: Invitae Variant Classification Sherloc (09022015). Collection method: clinical testing. Allele origin: germline.

PreventionGenetics, part of Exact Sciences
Classification: Likely benign for PIEZO1-related condition. Last evaluated: 2023-11-01. Review status: no assertion criteria provided. Collection method: clinical testing. Allele origin: germline. Not counted in ClinVar's aggregate classification.
Comment: This variant is classified as likely benign based on ACMG/AMP sequence variant interpretation guidelines (Richards et al. 2015 PMID: 25741868, with internal and published modifications).

NM_001142864.4(PIEZO1):c.951C>G (p.Gly317=)

Genes: HSALR1 (HSP90AB1 associated lncRNA 1; plus strand), PIEZO1 (piezo type mechanosensitive ion channel component 1 (Er blood group); minus strand). Cytogenetic location: 16q24.3.
Variant type: single nucleotide variant.
Coding change: c.951C>G on transcript NM_001142864.4 (MANE Select); coding-DNA position 951, C replaced by G.
Protein change: p.Gly317=; no amino-acid change (glycine 317 retained).
Molecular consequence: synonymous variant. On other transcripts: non-coding transcript variant (1).
Genome position (GRCh38, 1-based): chr16:88,738,003, G>C on the plus strand (C>G on the coding strand, the complement: PIEZO1 is on the minus strand). VCF-style: chr16-88738003-G-C. GRCh37 (hg19) VCF-style: chr16-88804411-G-C.
Identifiers: ClinVar variation 3054923 (VCV003054923.13), dbSNP rs995940562, ClinGen allele CA286436034.